The following is an entry in ClinVar:

NM_003924.4(PHOX2B):c.76C>A (p.Leu26Met)

Genes: PHOX2B (paired like homeobox 2B; minus strand), PHOX2B-AS1 (PHOX2B antisense RNA 1; plus strand). Cytogenetic location: 4p13.
Variant type: single nucleotide variant.
Coding change: c.76C>A on transcript NM_003924.4 (MANE Select); coding-DNA position 76, C replaced by A.
Protein change: p.Leu26Met; replaces leucine 26 with methionine.
Molecular consequence: missense variant. On other transcripts: non-coding transcript variant (1).
Genome position (GRCh38, 1-based): chr4:41,748,535, G>T on the plus strand (C>A on the coding strand, the complement: PHOX2B is on the minus strand). VCF-style: chr4-41748535-G-T. GRCh37 (hg19) VCF-style: chr4-41750552-G-T.
Other names: short protein forms L26M.
Identifiers: ClinVar variation 5026599 (VCV005026599.1).

ClinVar aggregate classification (germline): Uncertain significance (1 of 4 stars; one submission).

Conditions:
Hereditary cancer-predisposing syndrome. Also called: Neoplastic Syndromes, Hereditary; Tumor predisposition; Hereditary neoplastic syndrome; Hereditary Cancer Syndrome. Identifiers: Orphanet 140162, MedGen C0027672, MeSH D009386, MONDO:0015356.

Submission:

Ambry Genetics
Classification: Uncertain significance for Hereditary cancer-predisposing syndrome. Last evaluated: 2026-07-07. Review status: criteria provided, single submitter. Criteria: Ambry Variant Classification Scheme 2023. Collection method: clinical testing. Allele origin: germline.
Comment: The p.L26M variant (also known as c.76C>A), located in coding exon 1 of the PHOX2B gene, results from a C to A substitution at nucleotide position 76. The leucine at codon 26 is replaced by methionine, an amino acid with highly similar properties. This amino acid position is conserved. In addition, the in silico prediction for this alteration is inconclusive. Based on the available evidence, the clinical significance of this variant remains unclear.